The following is an entry in ClinVar:

NM_025137.4(SPG11):c.5113A>G (p.Ile1705Val)

Gene: SPG11 (SPG11 vesicle trafficking associated, spatacsin; minus strand). Cytogenetic location: 15q21.1.
Variant type: single nucleotide variant.
Coding change: c.5113A>G on transcript NM_025137.4 (MANE Select); coding-DNA position 5113, A replaced by G.
Protein change: p.Ile1705Val; replaces isoleucine 1705 with valine.
Molecular consequence: missense variant.
Genome position (GRCh38, 1-based): chr15:44,585,644, T>C on the plus strand (A>G on the coding strand, the complement: SPG11 is on the minus strand). VCF-style: chr15-44585644-T-C. GRCh37 (hg19) VCF-style: chr15-44877842-T-C.
Other names: c.5113A>G, p.Ile1705Val (NM_001160227.2); short protein forms I1705V.
Identifiers: ClinVar variation 1344093 (VCV001344093.5), dbSNP rs959255565, ClinGen allele CA270081623.

ClinVar aggregate classification (germline): Uncertain significance. Review status: criteria provided, multiple submitters, no conflicts (2 of 4 stars). 3 submissions from 3 submitters: Uncertain significance (3). Last evaluated 2025-03-18.

Conditions:
Hereditary spastic paraplegia. Also called: Familial spastic paraparesis. Identifiers: Orphanet 685, MedGen C0037773, MONDO:0019064. Disease mechanism: loss of function.
Inborn genetic diseases. Identifiers: MedGen C0950123, MeSH D030342.
Hereditary spastic paraplegia 11. Also called: Spastic Paraplegia 11; Nakamura Osame syndrome; Autosomal recessive hereditary spastic paraplegia, mental impairment, and thin corpus callosum; SPASTIC PARAPLEGIA, AUTOSOMAL RECESSIVE, COMPLICATED, WITH THIN CORPUS CALLOSUM; SPASTIC PARAPLEGIA, AUTOSOMAL RECESSIVE, WITH MENTAL IMPAIRMENT AND THIN CORPUS CALLOSUM; Spastic paraplegia, mental retardation and thin corpus callosum. Identifiers: Orphanet 2822, MedGen C1858479, MONDO:0011445, OMIM 604360.

Allele frequency attached by ClinVar (database versions not stated): gnomAD exomes below 0.00001 and 0.00003; gnomAD 0.00001.
gnomAD v4.1: 45 of 1,436,760 alleles (0.0031%); highest among the groups gnomAD compares: Non-Finnish European, 0.0043%; no homozygotes.

Submissions (3):

Labcorp Genetics (formerly Invitae), Labcorp
Classification: Uncertain significance for Hereditary spastic paraplegia 11. Last evaluated: 2025-03-18. Review status: criteria provided, single submitter. Criteria: Invitae Variant Classification Sherloc (09022015). Collection method: clinical testing. Allele origin: germline.
Comment: This sequence change replaces isoleucine, which is neutral and non-polar, with valine, which is neutral and non-polar, at codon 1705 of the SPG11 protein (p.Ile1705Val). This variant is present in population databases (no rsID available, gnomAD 0.002%). This variant has not been reported in the literature in individuals affected with SPG11-related conditions. ClinVar contains an entry for this variant (Variation ID: 1344093). Invitae Evidence Modeling of protein sequence and biophysical properties (such as structural, functional, and spatial information, amino acid conservation, physicochemical variation, residue mobility, and thermodynamic stability) indicates that this missense variant is not expected to disrupt SPG11 protein function with a negative predictive value of 80%. In summary, the available evidence is currently insufficient to determine the role of this variant in disease. Therefore, it has been classified as a Variant of Uncertain Significance.

Ambry Genetics
Classification: Uncertain significance for Inborn genetic diseases. Last evaluated: 2025-01-14. Review status: criteria provided, single submitter. Criteria: Ambry Variant Classification Scheme 2023. Collection method: clinical testing. Allele origin: germline.

Genome Diagnostics Laboratory, The Hospital for Sick Children
Classification: Uncertain significance for Hereditary spastic paraplegia. Last evaluated: 2017-12-01. Review status: criteria provided, single submitter. Criteria: ACMG Guidelines, 2015. Collection method: clinical testing. Allele origin: germline. Affected: yes.